The following is an entry in ClinVar:

ClinVar aggregate classification (germline): Conflicting classifications of pathogenicity. Review status: criteria provided, conflicting classifications (1 of 4 stars). 2 submissions from 2 submitters: Uncertain significance (1); Likely benign (1). Last evaluated 2025-06-22.

Conditions:
Inborn genetic diseases. Identifiers: MedGen C0950123, MeSH D030342.

gnomAD v4.1: 12 of 1,613,872 alleles (0.00074%); highest among the groups gnomAD compares: Non-Finnish European, 0.001%; no homozygotes.

Submissions (2):

Ambry Genetics
Classification: Uncertain significance for Inborn genetic diseases. Last evaluated: 2025-06-22. Review status: criteria provided, single submitter. Criteria: Ambry Variant Classification Scheme 2023. Collection method: clinical testing. Allele origin: germline.
Comment: The p.Y296H variant (also known as c.886T>C), located in coding exon 9 of the ANKRD26 gene, results from a T to C substitution at nucleotide position 886. The tyrosine at codon 296 is replaced by histidine, an amino acid with similar properties. This amino acid position is conserved. In addition, this alteration is predicted to be tolerated by in silico analysis. Based on the available evidence, the clinical significance of this variant remains unclear.

Laboratory of Genetics, Children's Clinical University Hospital Latvia
Classification: Likely benign. Last evaluated: 2025-02-16. Review status: criteria provided, single submitter. Criteria: ACMG Guidelines, 2015. Collection method: clinical testing. Allele origin: germline. Affected: yes.

NM_014915.3(ANKRD26):c.886T>C (p.Tyr296His)

Gene: ANKRD26 (ankyrin repeat domain containing 26; minus strand). Cytogenetic location: 10p12.1.
Variant type: single nucleotide variant.
Coding change: c.886T>C on transcript NM_014915.3 (MANE Select); coding-DNA position 886, T replaced by C.
Protein change: p.Tyr296His; replaces tyrosine 296 with histidine.
Molecular consequence: missense variant.
Genome position (GRCh38, 1-based): chr10:27,077,529, A>G on the plus strand (T>C on the coding strand, the complement: ANKRD26 is on the minus strand). VCF-style: chr10-27077529-A-G. GRCh37 (hg19) VCF-style: chr10-27366458-A-G.
Other names: c.886T>C, p.Tyr296His (NM_001256053.2); short protein forms Y296H.
Identifiers: ClinVar variation 3910808 (VCV003910808.2).